The following is an entry in ClinVar:

ClinVar aggregate classification (germline): Uncertain significance (1 of 4 stars; one submission).

Conditions:
Inborn genetic diseases. Identifiers: MedGen C0950123, MeSH D030342.

gnomAD v4.1: 1 of 1,614,058 alleles (0.000062%); highest among the groups gnomAD compares: Non-Finnish European, 0.000085%; no homozygotes.

Submission:

Ambry Genetics
Classification: Uncertain significance for Inborn genetic diseases. Last evaluated: 2024-11-25. Review status: criteria provided, single submitter. Criteria: Ambry Variant Classification Scheme 2023. Collection method: clinical testing. Allele origin: germline.
Comment: The p.V107L variant (also known as c.319G>C), located in coding exon 4 of the FANCA gene, results from a G to C substitution at nucleotide position 319. The valine at codon 107 is replaced by leucine, an amino acid with highly similar properties. This amino acid position is conserved. In addition, this alteration is predicted to be tolerated by in silico analysis. Based on the available evidence, the clinical significance of this variant remains unclear.

NM_000135.4(FANCA):c.319G>C (p.Val107Leu)

Gene: FANCA (FA complementation group A; minus strand). Cytogenetic location: 16q24.3.
Variant type: single nucleotide variant.
Coding change: c.319G>C on transcript NM_000135.4 (MANE Select); coding-DNA position 319, G replaced by C.
Protein change: p.Val107Leu; replaces valine 107 with leucine.
Molecular consequence: missense variant.
Genome position (GRCh38, 1-based): chr16:89,811,036, C>G on the plus strand (G>C on the coding strand, the complement: FANCA is on the minus strand). VCF-style: chr16-89811036-C-G. GRCh37 (hg19) VCF-style: chr16-89877444-C-G.
Other names: c.319G>C, p.Val107Leu (NM_001018112.3, NM_001286167.3, NM_001351830.2); short protein forms V107L.
Identifiers: ClinVar variation 3512671 (VCV003512671.1).
Genomic context (GRCh38, chr16:89,811,036, plus strand): 5'-CCGTGCAGATCTGTCCCACGCTAGAGGCAACCATCCCGGCTGAGAGAATACCCACGGGAA[C>G]CCCCAGCCTTGAGGCTTGATCCTGCAAAGCAGAGCCTTAAACACAAAACAAAACCATAGC-3'
Protein context (NP_000126.2, residues 97-117): ALQDQASRLG[Val107Leu]PVGILSAGMV